The following is an entry in ClinVar:

ClinVar aggregate classification (germline): Likely benign. Review status: criteria provided, multiple submitters, no conflicts (2 of 4 stars). 4 submissions from 4 submitters: Likely benign (4). Last evaluated 2025-04-02.

Conditions:
Multiple endocrine neoplasia, type 2 (MEN2). Identifiers: Orphanet 653, MedGen C4048306, MONDO:0019003. Disease mechanism: gain of function.
Hereditary cancer-predisposing syndrome. Also called: Tumor predisposition; Hereditary neoplastic syndrome; Hereditary Cancer Syndrome; Neoplastic Syndromes, Hereditary. Identifiers: Orphanet 140162, MedGen C0027672, MeSH D009386, MONDO:0015356.

Allele frequency attached by ClinVar (database versions not stated): gnomAD exomes below 0.00001 and 0.00001.
gnomAD v4.1: 5 of 1,614,146 alleles (0.00031%); highest among the groups gnomAD compares: Admixed American, 0.0017%; no homozygotes.

Submissions (4):

Labcorp Genetics (formerly Invitae), Labcorp
Classification: Likely benign for Multiple endocrine neoplasia, type 2. Last evaluated: 2025-04-02. Review status: criteria provided, single submitter. Criteria: Invitae Variant Classification Sherloc (09022015). Collection method: clinical testing. Allele origin: germline.

All of Us Research Program, National Institutes of Health
Classification: Likely benign for Multiple endocrine neoplasia, type 2. Last evaluated: 2024-01-11. Review status: criteria provided, single submitter. Criteria: ACMG Guidelines, 2015. Collection method: clinical testing. Allele origin: germline. Inheritance: Autosomal dominant inheritance. Observed: 2 variant alleles, 2 heterozygotes.
Comment: This study involves interpretation of variants in research participants for the purpose of population health screening. Participant phenotype was not available at the time of variant classification. Additional details can be found in publication PMID: 35346344, PMCID: PMC8962531

Sema4
Classification: Likely benign for Hereditary cancer-predisposing syndrome. Last evaluated: 2021-12-02. Review status: criteria provided, single submitter. Criteria: Sema4 Curation Guidelines. Collection method: curation. Allele origin: germline.

Ambry Genetics
Classification: Likely benign for Hereditary cancer-predisposing syndrome. Last evaluated: 2021-05-14. Review status: criteria provided, single submitter. Criteria: Ambry Variant Classification Scheme 2023. Collection method: clinical testing. Allele origin: germline.

NM_020975.6(RET):c.1710C>T (p.Cys570=)

Gene: RET (ret proto-oncogene; plus strand). Cytogenetic location: 10q11.21.
Variant type: single nucleotide variant.
Coding change: c.1710C>T on transcript NM_020975.6 (MANE Select); coding-DNA position 1710, C replaced by T.
Protein change: p.Cys570=; no amino-acid change (cysteine 570 retained).
Molecular consequence: synonymous variant.
Genome position (GRCh38, 1-based): chr10:43,112,914, C>T. VCF-style: chr10-43112914-C-T. GRCh37 (hg19) VCF-style: chr10-43608362-C-T.
Other names: c.1710C>T, p.Cys570= (NM_000323.2, NM_001406743.1, NM_001406744.1 and 6 more transcripts); c.948C>T, p.Cys316= (NM_001355216.2); c.1581C>T, p.Cys527= (NM_001406761.1, NM_001406762.1, NM_001406764.1 and 1 more transcripts); c.1422C>T, p.Cys474= (NM_001406766.1, NM_001406767.1, NM_001406770.1); c.1314C>T, p.Cys438= (NM_001406769.1, NM_001406772.1); c.1272C>T, p.Cys424= (NM_001406771.1, NM_001406773.1); c.1185C>T, p.Cys395= (NM_001406774.1); c.984C>T, p.Cys328= (NM_001406775.1, NM_001406776.1, NM_001406777.1 and 1 more transcripts); and 5 more.
Identifiers: ClinVar variation 1099994 (VCV001099994.13), dbSNP rs144015580, ClinGen allele CA469027740.
Genomic context (GRCh38, chr10:43,112,914, plus strand): 5'-GATCACCAGGAACTTCTCCACCTGCTCTCCCAGCACCAAGACCTGCCCCGACGGCCACTG[C>T]GATGTTGTGGAGACCCAAGACATCAACATTTGCCCTCAGGACTGCCTCCGTAAGCAGGGT-3'
Protein context (NP_066124.1, residues 560-580): PSTKTCPDGH[Cys570=]DVVETQDINI